The following is an entry in ClinVar:

NM_001161352.2(KCNMA1):c.30_56dup (p.Ser11_Gly19dup)

Gene: KCNMA1 (potassium calcium-activated channel subfamily M alpha 1; minus strand). Cytogenetic location: 10q22.3.
Variant type: Duplication.
Coding change: c.30_56dup on transcript NM_001161352.2 (MANE Select); coding-DNA positions 30 to 56, 27 bases duplicated (CAGCAGCGGCGGCGGCGGCGGCGGCGG).
Protein change: p.Ser11_Gly19dup.
Molecular consequence: inframe insertion.
Genome position (GRCh38, 1-based): chr10:77,637,587-77,637,613, CCGCCGCCGCCGCCGCCGCCGCTGCTG duplicated on the plus strand (CAGCAGCGGCGGCGGCGGCGGCGGCGG on the coding strand, the reverse complement: KCNMA1 is on the minus strand); duplicating any 27 consecutive bases within chr10:77,637,587-77,637,630 gives the same sequence; the c. name uses the placement nearest the transcript's 3' end. VCF-style (leftmost placement, unchanged base first): chr10-77637586-T-TCCGCCGCCGCCGCCGCCGCCGCTGCTG. GRCh37 (hg19) VCF-style: chr10-79397344-T-TCCGCCGCCGCCGCCGCCGCCGCTGCTG.
Other names: c.30_56dupCAGCAGCGGCGGCGGCGGCGGCGGCGG (NM_002247.3); c.30_56dup, p.Ser11_Gly19dup (NM_001014797.3, NM_001161353.2, NM_001271518.2 and 12 more transcripts).
Identifiers: ClinVar variation 1053529 (VCV001053529.10), dbSNP rs1163075445, ClinGen allele CA930199223.

ClinVar aggregate classification (germline): Uncertain significance. Review status: criteria provided, multiple submitters, no conflicts (2 of 4 stars). 2 submissions from 2 submitters: Uncertain significance (2). Last evaluated 2026-02-09.

Conditions:
Inborn genetic diseases. Identifiers: MedGen C0950123, MeSH D030342.
Generalized epilepsy-paroxysmal dyskinesia syndrome (PNKD3). Also called: Generalized epilepsy and paroxysmal dyskinesia; Paroxysmal nonkinesigenic dyskinesia, 3, with or without generalized epilepsy. Identifiers: Orphanet 79137, MedGen C5574945, MONDO:0012276, OMIM 609446.

Submissions (2):

Ambry Genetics
Classification: Uncertain significance for Inborn genetic diseases. Last evaluated: 2026-02-09. Review status: criteria provided, single submitter. Criteria: Ambry Variant Classification Scheme 2023. Collection method: clinical testing. Allele origin: germline.
Comment: The c.30_56dupCAGCAGCGGCGGCGGCGGCGGCGGCGG (p.S11_G19dup) alteration is located in exon 1 (coding exon 1) of the KCNMA1 gene. The alteration consists of an in-frame duplication of 27 nucleotides from position 30 to 56, resulting in the duplication of 9 residues. This variant was not reported in population-based cohorts in the Genome Aggregation Database (gnomAD). Based on insufficient or conflicting evidence, the clinical significance of this alteration remains unclear.

Labcorp Genetics (formerly Invitae), Labcorp
Classification: Uncertain significance for Generalized epilepsy-paroxysmal dyskinesia syndrome. Last evaluated: 2025-04-22. Review status: criteria provided, single submitter. Criteria: Invitae Variant Classification Sherloc (09022015). Collection method: clinical testing. Allele origin: germline.
Comment: This variant, c.30_56dup, results in the insertion of 9 amino acid(s) of the KCNMA1 protein (p.Ser11_Gly19dup), but otherwise preserves the integrity of the reading frame. This variant is not present in population databases (gnomAD no frequency). This variant has not been reported in the literature in individuals affected with KCNMA1-related conditions. ClinVar contains an entry for this variant (Variation ID: 1053529). Experimental studies and prediction algorithms are not available or were not evaluated, and the functional significance of this variant is currently unknown. In summary, the available evidence is currently insufficient to determine the role of this variant in disease. Therefore, it has been classified as a Variant of Uncertain Significance.